The following is an entry in ClinVar:

NM_015166.3(MLC1):c.-561G>A

Gene: MLC1 (modulator of VRAC current 1; minus strand). Cytogenetic location: 22q13.33.
Variant type: single nucleotide variant.
Coding change: c.-561G>A on transcript NM_015166.3; 561 bases upstream of the start codon, G replaced by A.
Molecular consequence: 5 prime UTR variant (on NM_001376473.1).
Genome position (GRCh38, 1-based): chr22:50,085,856, C>T on the plus strand (G>A on the coding strand, the complement: MLC1 is on the minus strand). VCF-style: chr22-50085856-C-T. GRCh37 (hg19) VCF-style: chr22-50524285-C-T.
Other names: c.-373G>A (NM_001376473.1); c.-111G>A (NM_001376474.1); c.-269G>A (NM_001376475.1); c.-215G>A (NM_001376476.1).
Identifiers: ClinVar variation 342121 (VCV000342121.8), dbSNP rs4838883, ClinGen allele CA10653656.

ClinVar aggregate classification (germline): Benign. Review status: criteria provided, multiple submitters, no conflicts (2 of 4 stars). 2 submissions from 2 submitters: Benign (2). Last evaluated 2018-01-13.

Conditions:
Megalencephalic leukoencephalopathy with subcortical cysts 1 (MLC1). Also called: LEUKOENCEPHALOPATHY WITH SWELLING AND CYSTS; VACUOLATING MEGALENCEPHALIC LEUKOENCEPHALOPATHY WITH SUBCORTICAL CYSTS. Identifiers: Orphanet 2478, MedGen C5779875, MONDO:0024555, OMIM 604004.

Allele frequency attached by ClinVar (database versions not stated): gnomAD 0.13827 and 0.13942; 1000 Genomes Project 30x 0.15319; gnomAD exomes 0.08889; TOPMed 0.14730; 1000 Genomes Project 0.14936.
gnomAD v4.1: 21,320 of 152,392 alleles (14%); highest among the groups gnomAD compares: Admixed American, 21%; 1,668 homozygotes.

Submissions (2):

Illumina Laboratory Services, Illumina
Classification: Benign for Megalencephalic leukoencephalopathy with subcortical cysts 1. Last evaluated: 2018-01-13. Review status: criteria provided, single submitter. Criteria: ICSL Variant Classification Criteria 13 December 2019. Collection method: clinical testing. Allele origin: germline.
Comment: This variant was observed in the ICSL laboratory as part of a predisposition screen in an ostensibly healthy population. It had not been previously curated by ICSL or reported in the Human Gene Mutation Database (HGMD: prior to June 1st, 2018), and was therefore a candidate for classification through an automated scoring system. Utilizing variant allele frequency, disease prevalence and penetrance estimates, and inheritance mode, an automated score was calculated to assess if this variant is too frequent to cause the disease. Based on the score and internal cut-off values, a variant classified as benign is not then subjected to further curation. The score for this variant resulted in a classification of benign for this disease.

Breakthrough Genomics
Classification: Benign. Review status: criteria provided, single submitter. Criteria: ACMG Guidelines, 2015. Collection method: not provided. Allele origin: germline. Inheritance: Autosomal recessive inheritance. Affected: yes.